The following is an entry in ClinVar:

NM_138386.3(NAF1):c.208G>C (p.Val70Leu)

Gene: NAF1 (nuclear assembly factor 1 ribonucleoprotein; minus strand). Cytogenetic location: 4q32.2.
Variant type: single nucleotide variant.
Coding change: c.208G>C on transcript NM_138386.3 (MANE Select); coding-DNA position 208, G replaced by C.
Protein change: p.Val70Leu; replaces valine 70 with leucine.
Molecular consequence: missense variant.
Genome position (GRCh38, 1-based): chr4:163,166,520, C>G on the plus strand (G>C on the coding strand, the complement: NAF1 is on the minus strand). VCF-style: chr4-163166520-C-G. GRCh37 (hg19) VCF-style: chr4-164087672-C-G.
Other names: c.208G>C, p.Val70Leu (NM_001128931.2); short protein forms V70L.
Identifiers: ClinVar variation 2473130 (VCV002473130.5), dbSNP rs746104270, ClinGen allele CA3126457.
Genomic context (GRCh38, chr4:163,166,520, plus strand): 5'-GCGATTCAGCCGGTGGCTGTGGCTGCGGCGCCGGGGTCCCGGCCGCGACGGCGTTCAGAA[C>G]GGGCTGCAGAGGCTGCTCCCCGGCAGGCTTAACCTCCACGGTCTGCCCAGCGTCCGGGGA-3'
Protein context (NP_612395.2, residues 60-80): KPAGEQPLQP[Val70Leu]LNAVAAGTPA

ClinVar aggregate classification (germline): Uncertain significance. Review status: criteria provided, multiple submitters, no conflicts (2 of 4 stars). 2 submissions from 2 submitters: Uncertain significance (2). Last evaluated 2024-06-09.

Allele frequency attached by ClinVar (database versions not stated): ExAC 0.00004.
gnomAD v4.1: 28 of 1,597,734 alleles (0.0018%); highest among the groups gnomAD compares: Non-Finnish European, 0.00094%; no homozygotes.

Submissions (2):

Labcorp Genetics (formerly Invitae), Labcorp
Classification: Uncertain significance. Last evaluated: 2024-06-09. Review status: criteria provided, single submitter. Criteria: Invitae Variant Classification Sherloc (09022015). Collection method: clinical testing. Allele origin: germline.
Comment: This sequence change replaces valine, which is neutral and non-polar, with leucine, which is neutral and non-polar, at codon 70 of the NAF1 protein (p.Val70Leu). This variant is present in population databases (rs746104270, gnomAD 0.1%), and has an allele count higher than expected for a pathogenic variant. This variant has not been reported in the literature in individuals affected with NAF1-related conditions. ClinVar contains an entry for this variant (Variation ID: 2473130). An algorithm developed to predict the effect of missense changes on protein structure and function (PolyPhen-2) suggests that this variant is likely to be tolerated. In summary, the available evidence is currently insufficient to determine the role of this variant in disease. Therefore, it has been classified as a Variant of Uncertain Significance.

Ambry Genetics
Classification: Uncertain significance. Last evaluated: 2023-02-10. Review status: criteria provided, single submitter. Criteria: Ambry Variant Classification Scheme 2023. Collection method: clinical testing. Allele origin: germline.